The following is an entry in ClinVar:

ClinVar aggregate classification (germline): Pathogenic (1 of 4 stars; one submission).

Submission:

GeneDx
Classification: Pathogenic. Last evaluated: 2023-12-13. Review status: criteria provided, single submitter. Criteria: GeneDx Variant Classification Process June 2021. Collection method: clinical testing. Allele origin: germline. Affected: yes.
Comment: Nonsense variant predicted to result in protein truncation or nonsense mediated decay in a gene for which loss of function is a known mechanism of disease; Not observed at significant frequency in large population cohorts (gnomAD); This variant is associated with the following publications: (PMID: 25652421, 27605097)

NM_013275.6(ANKRD11):c.5483C>A (p.Ser1828Ter)

Gene: ANKRD11 (ankyrin repeat domain containing 11; minus strand). Cytogenetic location: 16q24.3.
Variant type: single nucleotide variant.
Coding change: c.5483C>A on transcript NM_013275.6 (MANE Select); coding-DNA position 5483, C replaced by A.
Protein change: p.Ser1828Ter; replaces serine 1828 with a stop codon.
Molecular consequence: nonsense.
Genome position (GRCh38, 1-based): chr16:89,281,059, G>T on the plus strand (C>A on the coding strand, the complement: ANKRD11 is on the minus strand). VCF-style: chr16-89281059-G-T. GRCh37 (hg19) VCF-style: chr16-89347467-G-T.
Other names: c.5483C>A, p.Ser1828Ter (NM_001256182.2, NM_001256183.2); short protein forms S1828*.
Identifiers: ClinVar variation 3338862 (VCV003338862.1).
Genomic context (GRCh38, chr16:89,281,059, plus strand): 5'-GGCGACAAGCAGGCAAACTTCTCCGCGGGAACCGGGGGCAGGGGCGCCCTGTCTTCCATC[G>T]AGGGTGGCATGGGAGAGTCGTAGCTGGAGGCAGCAGGAACGCTCTGCTGCCTGAAGAGCT-3'